The following is an entry in ClinVar:

NC_000005.9:g.(?_131931255)_(131931512_?)del

Gene: RAD50 (RAD50 double strand break repair protein; plus strand). Cytogenetic location: 5q31.1.
Variant type: Deletion.
Identifiers: ClinVar variation 1459889 (VCV001459889.4).

ClinVar aggregate classification (germline): Pathogenic (1 of 4 stars; one submission).

Conditions:
Hereditary cancer-predisposing syndrome. Also called: Neoplastic Syndromes, Hereditary; Hereditary Cancer Syndrome; Hereditary neoplastic syndrome; Tumor predisposition. Identifiers: Orphanet 140162, MedGen C0027672, MeSH D009386, MONDO:0015356.

Submission:

Labcorp Genetics (formerly Invitae), Labcorp
Classification: Pathogenic for Hereditary cancer-predisposing syndrome. Last evaluated: 2021-10-06. Review status: criteria provided, single submitter. Criteria: Invitae Variant Classification Sherloc (09022015). Collection method: clinical testing. Allele origin: germline.
Comment: For these reasons, this variant has been classified as Pathogenic. This variant has not been reported in the literature in individuals affected with RAD50-related conditions. This variant is a gross deletion of the genomic region encompassing exon(s) 13 of the RAD50 gene. This deletion is out-of-frame, and is expected to create a premature termination codon and result in an absent or disrupted protein product. Loss-of-function variants in RAD50 are known to be pathogenic (PMID: 19409520).

Literature cited by the submitters: PubMed 19409520.